The following is an entry in ClinVar:

NC_000001.10:g.(?_103364202)_(103364570_?)dup

Gene: COL11A1 (collagen type XI alpha 1 chain; minus strand). Cytogenetic location: 1p21.1.
Variant type: Duplication.
Identifiers: ClinVar variation 2424284 (VCV002424284.4).

ClinVar aggregate classification (germline): Uncertain significance (1 of 4 stars; one submission).

Submission:

Labcorp Genetics (formerly Invitae), Labcorp
Classification: Uncertain significance. Last evaluated: 2023-05-01. Review status: criteria provided, single submitter. Criteria: Invitae Variant Classification Sherloc (09022015). Collection method: clinical testing. Allele origin: germline.
Comment: In summary, the available evidence is currently insufficient to determine the role of this variant in disease. Therefore, it has been classified as a Variant of Uncertain Significance. Experimental studies and prediction algorithms are not available or were not evaluated, and the functional significance of this variant is currently unknown. This variant has not been reported in the literature in individuals affected with COL11A1-related conditions. This variant results in a copy number gain of the genomic region encompassing exon(s) 55-56 of the COL11A1 gene. While the exact position of this variant cannot be determined from the data, sub-genic copy number gains are generally in tandem (PMID: 25640679). This variant is predicted to be in-frame, and likely preserves the integrity of the reading frame.

Literature cited by the submitters: PubMed 25640679.